The following is an entry in ClinVar:

ClinVar aggregate classification (germline): Uncertain significance. Review status: criteria provided, multiple submitters, no conflicts (2 of 4 stars). 2 submissions from 2 submitters: Uncertain significance (2). Last evaluated 2026-05-23.

Conditions:
Neutropenia, severe congenital, 2, autosomal dominant. Identifiers: Orphanet 486, MedGen C2751288, MONDO:0013139, OMIM 613107.

Submissions (2):

Ambry Genetics
Classification: Uncertain significance. Last evaluated: 2026-05-23. Review status: criteria provided, single submitter. Criteria: Ambry Variant Classification Scheme 2023. Collection method: clinical testing. Allele origin: germline.
Comment: The p.E160K variant (also known as c.478G>A), located in coding exon 3 of the GFI1 gene, results from a G to A substitution at nucleotide position 478. The glutamic acid at codon 160 is replaced by lysine, an amino acid with similar properties. This amino acid position is conserved. In addition, this alteration is predicted to be tolerated by in silico analysis. Based on the available evidence, the clinical significance of this variant remains unclear.

Labcorp Genetics (formerly Invitae), Labcorp
Classification: Uncertain significance for Neutropenia, severe congenital, 2, autosomal dominant. Last evaluated: 2020-01-15. Review status: criteria provided, single submitter. Criteria: Invitae Variant Classification Sherloc (09022015). Collection method: clinical testing. Allele origin: germline.
Comment: This sequence change replaces glutamic acid with lysine at codon 160 of the GFI1 protein (p.Glu160Lys). The glutamic acid residue is weakly conserved and there is a small physicochemical difference between glutamic acid and lysine. The frequency data for this variant in the population databases is considered unreliable, as metrics indicate insufficient coverage at this position in the ExAC database. This variant has not been reported in the literature in individuals with GFI1-related conditions. Algorithms developed to predict the effect of missense changes on protein structure and function (SIFT, PolyPhen-2, Align-GVGD) all suggest that this variant is likely to be tolerated, but these predictions have not been confirmed by published functional studies and their clinical significance is uncertain. In summary, the available evidence is currently insufficient to determine the role of this variant in disease. Therefore, it has been classified as a Variant of Uncertain Significance.

NM_005263.5(GFI1):c.478G>A (p.Glu160Lys)

Gene: GFI1 (growth factor independent 1 transcriptional repressor; minus strand). Cytogenetic location: 1p22.1.
Variant type: single nucleotide variant.
Coding change: c.478G>A on transcript NM_005263.5 (MANE Select); coding-DNA position 478, G replaced by A.
Protein change: p.Glu160Lys; replaces glutamic acid 160 with lysine.
Molecular consequence: missense variant.
Genome position (GRCh38, 1-based): chr1:92,480,909, C>T on the plus strand (G>A on the coding strand, the complement: GFI1 is on the minus strand). VCF-style: chr1-92480909-C-T. GRCh37 (hg19) VCF-style: chr1-92946466-C-T.
Other names: c.478G>A, p.Glu160Lys (NM_001127215.3, NM_001127216.3); c.478G>A (NM_005263.3); short protein forms E160K.
Identifiers: ClinVar variation 1052962 (VCV001052962.10), dbSNP rs2101572785, ClinGen allele CA341149756.